The following is an entry in ClinVar:

NM_000135.4(FANCA):c.2730_2731del (p.Trp911fs)

Gene: FANCA (FA complementation group A; minus strand). Cytogenetic location: 16q24.3.
Variant type: Microsatellite.
Coding change: c.2730_2731del on transcript NM_000135.4 (MANE Select); coding-DNA positions 2730 to 2731, 2 bases deleted (CT; older notation c.2730_2731delCT).
Protein change: p.Trp911fs; shifts the reading frame from tryptophan 911.
Molecular consequence: frameshift variant.
Genome position (GRCh38, 1-based): chr16:89,764,937-89,764,938, AG deleted on the plus strand (CT on the coding strand, the reverse complement: FANCA is on the minus strand); deleting any 2 consecutive bases within chr16:89,764,937-89,764,946 gives the same sequence; the c. name uses the placement nearest the transcript's 3' end. VCF-style (leftmost placement, unchanged base first): chr16-89764936-CAG-C. GRCh37 (hg19) VCF-style: chr16-89831344-CAG-C.
Other names: c.2730_2731del (NM_000135.2); c.2730_2731del, p.Trp911fs (NM_001286167.3); short protein forms W911fs.
Identifiers: ClinVar variation 237042 (VCV000237042.15), dbSNP rs878853663, ClinGen allele CA10583437.

ClinVar aggregate classification (germline): Pathogenic. Review status: criteria provided, single submitter (1 of 4 stars). 3 submissions from 3 submitters: Pathogenic (1). 2 of the submissions do not count toward it. Last evaluated 2025-03-13.

Conditions:
Fanconi anemia (FA). Also called: Fanconi's anemia. Identifiers: Orphanet 84, MedGen C0015625, MeSH D005199, MONDO:0019391.
Fanconi anemia complementation group A (FANCA). Also called: FANCA-Related Fanconi Anemia; Fanconi anemia, group A. Identifiers: Orphanet 84, MedGen C3469521, MONDO:0009215, OMIM 227650.

Submissions (3):

Labcorp Genetics (formerly Invitae), Labcorp
Classification: Pathogenic for Fanconi anemia. Last evaluated: 2025-03-13. Review status: criteria provided, single submitter. Criteria: Invitae Variant Classification Sherloc (09022015). Collection method: clinical testing. Allele origin: germline.
Comment: This sequence change creates a premature translational stop signal (p.Trp911Aspfs*31) in the FANCA gene. It is expected to result in an absent or disrupted protein product. Loss-of-function variants in FANCA are known to be pathogenic (PMID: 19367192). This variant is not present in population databases (gnomAD no frequency). This premature translational stop signal has been observed in individual(s) with Fanconi anemia (internal data). In at least one individual the data is consistent with being in trans (on the opposite chromosome) from a pathogenic variant. ClinVar contains an entry for this variant (Variation ID: 237042). For these reasons, this variant has been classified as Pathogenic.

Natera, Inc.
Classification: Pathogenic for Fanconi anemia. Last evaluated: 2021-03-22. Review status: no assertion criteria provided. Collection method: clinical testing. Allele origin: germline. Not counted in ClinVar's aggregate classification.

Leiden Open Variation Database
Classification: Pathogenic for Fanconi anemia complementation group A. Last evaluated: 2020-02-28. Review status: no assertion criteria provided. Collection method: curation. Allele origin: germline. Affected: yes. Not counted in ClinVar's aggregate classification.
Comment: Curator: Arleen D. Auerbach. Submitter to LOVD: Arleen D. Auerbach.

Literature cited by the submitters: PubMed 19367192 (cited by Labcorp Genetics (formerly Invitae), Labcorp).